The following is an entry in ClinVar:

NM_000222.3(KIT):c.2351C>A (p.Ala784Asp)

Gene: KIT (KIT proto-oncogene, receptor tyrosine kinase; plus strand). Cytogenetic location: 4q12.
Variant type: single nucleotide variant.
Coding change: c.2351C>A on transcript NM_000222.3 (MANE Select); coding-DNA position 2351, C replaced by A.
Protein change: p.Ala784Asp; replaces alanine 784 with aspartic acid.
Molecular consequence: missense variant.
Genome position (GRCh38, 1-based): chr4:54,731,988, C>A. VCF-style: chr4-54731988-C-A. GRCh37 (hg19) VCF-style: chr4-55598154-C-A.
Other names: c.2339C>A, p.Ala780Asp (NM_001093772.2, NM_001385292.1); c.2354C>A, p.Ala785Asp (NM_001385284.1); c.2348C>A, p.Ala783Asp (NM_001385285.1); c.2336C>A, p.Ala779Asp (NM_001385286.1); c.2342C>A, p.Ala781Asp (NM_001385288.1); c.2351C>A, p.Ala784Asp (NM_001385290.1); short protein forms A780D, A781D, A783D, A784D, A785D, A779D.
Identifiers: ClinVar variation 2863618 (VCV002863618.3), dbSNP rs2109796079, ClinGen allele CA356911152.
Genomic context (GRCh38, chr4:54,731,988, plus strand): 5'-TAGACTTAGAAGACTTGCTGAGCTTTTCTTACCAGGTGGCAAAGGGCATGGCTTTCCTCG[C>A]CTCCAAGAATGTAAGTGGGAGTGATTCTCTAAAGAGTTTTGTGTTTTGTTTTTTTGATTT-3'
Protein context (NP_000213.1, residues 774-794): YQVAKGMAFL[Ala784Asp]SKNCIHRDLA

ClinVar aggregate classification (germline): Uncertain significance (1 of 4 stars; one submission).

Conditions:
Gastrointestinal stromal tumor. Also called: Gastrointestinal stromal tumor, somatic; Gastrointestinal stroma tumor. Identifiers: Orphanet 44890, MedGen C0238198, MeSH D046152, MONDO:0011719, OMIM 606764, HP:0100723.

Submission:

Labcorp Genetics (formerly Invitae), Labcorp
Classification: Uncertain significance for Gastrointestinal stromal tumor. Last evaluated: 2023-05-12. Review status: criteria provided, single submitter. Criteria: Invitae Variant Classification Sherloc (09022015). Collection method: clinical testing. Allele origin: germline.
Comment: In summary, the available evidence is currently insufficient to determine the role of this variant in disease. Therefore, it has been classified as a Variant of Uncertain Significance. An algorithm developed to predict the effect of missense changes on protein structure and function (PolyPhen-2) suggests that this variant is likely to be disruptive. This variant has not been reported in the literature in individuals affected with KIT-related conditions. This variant is not present in population databases (gnomAD no frequency). This sequence change replaces alanine, which is neutral and non-polar, with aspartic acid, which is acidic and polar, at codon 784 of the KIT protein (p.Ala784Asp).